The following is an entry in ClinVar:

ClinVar aggregate classification (germline): Uncertain significance. Review status: criteria provided, multiple submitters, no conflicts (2 of 4 stars). 2 submissions from 2 submitters: Uncertain significance (2). Last evaluated 2025-08-04.

Allele frequency attached by ClinVar (database versions not stated): gnomAD 0.00001; TOPMed 0.00001.
gnomAD v4.1: 79 of 1,610,480 alleles (0.0049%); highest among the groups gnomAD compares: Non-Finnish European, 0.0065%; no homozygotes.

Submissions (2):

Labcorp Genetics (formerly Invitae), Labcorp
Classification: Uncertain significance. Last evaluated: 2025-08-04. Review status: criteria provided, single submitter. Criteria: Invitae Variant Classification Sherloc (09022015). Collection method: clinical testing. Allele origin: germline.
Comment: This sequence change replaces aspartic acid, which is acidic and polar, with asparagine, which is neutral and polar, at codon 86 of the COL7A1 protein (p.Asp86Asn). This variant is present in population databases (no rsID available, gnomAD 0.002%). This variant has not been reported in the literature in individuals affected with COL7A1-related conditions. ClinVar contains an entry for this variant (Variation ID: 2160336). Invitae Evidence Modeling of protein sequence and biophysical properties (such as structural, functional, and spatial information, amino acid conservation, physicochemical variation, residue mobility, and thermodynamic stability) has been performed for this missense variant. However, the output from this modeling did not meet the statistical confidence thresholds required to predict the impact of this variant on COL7A1 protein function. In summary, the available evidence is currently insufficient to determine the role of this variant in disease. Therefore, it has been classified as a Variant of Uncertain Significance.

Women's Health and Genetics/Laboratory Corporation of America, LabCorp
Classification: Uncertain significance. Last evaluated: 2023-12-12. Review status: criteria provided, single submitter. Criteria: LabCorp Variant Classification Summary - May 2015. Collection method: clinical testing. Allele origin: germline.

NM_000094.4(COL7A1):c.256G>A (p.Asp86Asn)

Gene: COL7A1 (collagen type VII alpha 1 chain; minus strand). Cytogenetic location: 3p21.31.
Variant type: single nucleotide variant.
Coding change: c.256G>A on transcript NM_000094.4 (MANE Select); coding-DNA position 256, G replaced by A.
Protein change: p.Asp86Asn; replaces aspartic acid 86 with asparagine.
Molecular consequence: missense variant.
Genome position (GRCh38, 1-based): chr3:48,594,378, C>T on the plus strand (G>A on the coding strand, the complement: COL7A1 is on the minus strand). VCF-style: chr3-48594378-C-T. GRCh37 (hg19) VCF-style: chr3-48631811-C-T.
Other names: short protein forms D86N.
Identifiers: ClinVar variation 2160336 (VCV002160336.3), dbSNP rs1227369277, ClinGen allele CA352749176.
Genomic context (GRCh38, chr3:48,594,378, plus strand): 5'-GAGTCTTGGTGGGGATCTCGTGGTCCCCAGCCCCCAGGGCCCCTACTCACCGTGGGTCAT[C>T]GCTGTACTGCACTGTGGCAAAGCGCACACCCTGTGCACTGGCTGCTCCAGAGAAAGGCAG-3'
Protein context (NP_000085.1, residues 76-96): GVRFATVQYS[Asp86Asn]DPRTEFGLDA